The following is an entry in ClinVar:

NM_001370595.2(COA8):c.40C>G (p.Pro14Ala)

Gene: COA8 (cytochrome c oxidase assembly factor 8; plus strand). Cytogenetic location: 14q32.33.
Variant type: single nucleotide variant.
Coding change: c.40C>G on transcript NM_001370595.2 (MANE Select); coding-DNA position 40, C replaced by G.
Protein change: p.Pro14Ala; replaces proline 14 with alanine.
Molecular consequence: missense variant. On other transcripts: non-coding transcript variant (2).
Genome position (GRCh38, 1-based): chr14:103,563,041, C>G. VCF-style: chr14-103563041-C-G. GRCh37 (hg19) VCF-style: chr14-104029378-C-G.
Other names: c.40C>G, p.Pro14Ala (NM_001302653.2, NM_001302654.2); c.79C>G (NM_032374.4); short protein forms P14A.
Identifiers: ClinVar variation 379942 (VCV000379942.18), dbSNP rs2274268, ClinGen allele CA7365394.
Genomic context (GRCh38, chr14:103,563,041, plus strand): 5'-GGAGCCAGGGGGCGTGGGGCCATGGTGGTCTTGCGGGCGGGGAAGAAGACCTTTCTCCCC[C>G]CTCTCTGCCGCGCCTTCGCCTGCCGCGGCTGTCAACTCGCTCCGGAGCGCGGCGCCGAGC-3'
Protein context (NP_001357524.1, residues 4-24): LRAGKKTFLP[Pro14Ala]LCRAFACRGC

ClinVar aggregate classification (germline): Benign/Likely benign. Review status: criteria provided, multiple submitters, no conflicts (2 of 4 stars). 6 submissions from 6 submitters: Benign (4); Likely benign (1). 1 of the submissions does not count toward it. Last evaluated 2026-02-03.

Conditions:
Mitochondrial complex IV deficiency, nuclear type 17. Also called: Mitochondrial complex 4 deficiency, nuclear type 17. Identifiers: MedGen C5436718, MONDO:0033652, OMIM 619061.

Allele frequency attached by ClinVar (database versions not stated): 1000 Genomes Project 0.23462; 1000 Genomes Project 30x 0.23876; ESP Exome Variant Server 0.26937; TOPMed 0.30103.
gnomAD v4.1: 502,927 of 1,541,778 alleles (33%); highest among the groups gnomAD compares: Middle Eastern, 36%; 85,328 homozygotes.

Submissions (6):

Labcorp Genetics (formerly Invitae), Labcorp
Classification: Benign. Last evaluated: 2026-02-03. Review status: criteria provided, single submitter. Criteria: Invitae Variant Classification Sherloc (09022015). Collection method: clinical testing. Allele origin: germline.

Blueprint Genetics
Classification: Likely benign. Last evaluated: 2024-11-27. Review status: criteria provided, single submitter. Criteria: ACMG Guidelines, 2015. Collection method: clinical testing. Allele origin: germline.

Genome-Nilou Lab
Classification: Benign for Mitochondrial complex IV deficiency, nuclear type 17. Last evaluated: 2021-07-14. Review status: criteria provided, single submitter. Criteria: ACMG Guidelines, 2015. Collection method: clinical testing. Allele origin: germline. Affected: no.

GeneDx
Classification: Benign. Last evaluated: 2015-12-04. Review status: criteria provided, single submitter. Criteria: GeneDx Variant Classification (06012015). Collection method: clinical testing. Allele origin: germline. Affected: yes.
Comment: This variant is considered likely benign or benign based on one or more of the following criteria: it is a conservative change, it occurs at a poorly conserved position in the protein, it is predicted to be benign by multiple in silico algorithms, and/or has population frequency not consistent with disease.

Breakthrough Genomics
Classification: Benign. Review status: criteria provided, single submitter. Criteria: ACMG Guidelines, 2015. Collection method: not provided. Allele origin: germline. Inheritance: Autosomal recessive inheritance. Affected: yes.

Mayo Clinic Laboratories, Mayo Clinic
Classification: Benign. Last evaluated: 2016-02-19. Review status: no assertion criteria provided. Collection method: clinical testing. Allele origin: unknown. Not counted in ClinVar's aggregate classification.